The following is an entry in ClinVar:

ClinVar aggregate classification (germline): Benign/Likely benign. Review status: criteria provided, multiple submitters, no conflicts (2 of 4 stars). 5 submissions from 5 submitters: Benign (1); Likely benign (3). 1 of the submissions does not count toward it. Last evaluated 2026-05-20.

Conditions:
Hereditary cancer-predisposing syndrome. Also called: Hereditary neoplastic syndrome; Neoplastic Syndromes, Hereditary; Hereditary Cancer Syndrome; Tumor predisposition. Identifiers: Orphanet 140162, MedGen C0027672, MeSH D009386, MONDO:0015356.
Cardiovascular phenotype. Identifiers: MedGen CN230736.
NF1-related disorder. Also called: NF1-related condition. Identifiers: MedGen CN379171.
Neurofibromatosis, type 1 (NF1). Also called: Peripheral type neurofibromatosis; Neurofibromatosis, type I; VON RECKLINGHAUSEN DISEASE; NEUROFIBROMATOSIS, TYPE I, SOMATIC. Identifiers: Orphanet 636, MedGen C0027831, MONDO:0018975, OMIM 162200. Disease mechanism: loss of function.

Allele frequency attached by ClinVar (database versions not stated): gnomAD exomes below 0.00001.
gnomAD v4.1: 1 of 1,614,178 alleles (0.000062%); highest among the groups gnomAD compares: Non-Finnish European, 0.000085%; no homozygotes.

Submissions (5):

Myriad Genetics, Inc.
Classification: Benign for Neurofibromatosis, type 1. Last evaluated: 2026-05-20. Review status: criteria provided, single submitter. Criteria: Myriad Autosomal Dominant, Autosomal Recessive and X-Linked Classification Criteria (2023). Collection method: clinical testing. Allele origin: unknown.
Comment: This variant is considered benign. This variant is a silent/synonymous amino acid change and it is not expected to impact splicing.

Labcorp Genetics (formerly Invitae), Labcorp
Classification: Likely benign for Neurofibromatosis, type 1. Last evaluated: 2025-08-06. Review status: criteria provided, single submitter. Criteria: Invitae Variant Classification Sherloc (09022015). Collection method: clinical testing. Allele origin: germline.

Genome-Nilou Lab
Classification: Likely benign for Neurofibromatosis, type 1. Last evaluated: 2022-03-15. Review status: criteria provided, single submitter. Criteria: ACMG Guidelines, 2015. Collection method: clinical testing. Allele origin: germline. Affected: no.

Ambry Genetics
Classification: Likely benign for Cardiovascular phenotype; Hereditary cancer-predisposing syndrome. Last evaluated: 2016-11-30. Review status: criteria provided, single submitter. Criteria: Ambry Variant Classification Scheme 2023. Collection method: clinical testing. Allele origin: germline.

PreventionGenetics, part of Exact Sciences
Classification: Likely benign for NF1-related condition. Last evaluated: 2020-11-02. Review status: no assertion criteria provided. Collection method: clinical testing. Allele origin: germline. Not counted in ClinVar's aggregate classification.
Comment: This variant is classified as likely benign based on ACMG/AMP sequence variant interpretation guidelines (Richards et al. 2015 PMID: 25741868, with internal and published modifications).

NM_001042492.3(NF1):c.4953C>T (p.Ser1651=)

Gene: NF1 (neurofibromin 1; plus strand). Cytogenetic location: 17q11.2.
Variant type: single nucleotide variant.
Coding change: c.4953C>T on transcript NM_001042492.3 (MANE Select); coding-DNA position 4953, C replaced by T.
Protein change: p.Ser1651=; no amino-acid change (serine 1651 retained).
Molecular consequence: synonymous variant.
Genome position (GRCh38, 1-based): chr17:31,325,937, C>T. VCF-style: chr17-31325937-C-T. GRCh37 (hg19) VCF-style: chr17-29652955-C-T.
Other names: c.4890C>T, p.Ser1630= (NM_000267.4).
Identifiers: ClinVar variation 480954 (VCV000480954.15), dbSNP rs941643920, ClinGen allele CA289377110.